The following is an entry in ClinVar:

NM_033026.6(PCLO):c.9296C>G (p.Ser3099Cys)

Gene: PCLO (piccolo presynaptic cytomatrix protein; minus strand). Cytogenetic location: 7q21.11.
Variant type: single nucleotide variant.
Coding change: c.9296C>G on transcript NM_033026.6 (MANE Select); coding-DNA position 9296, C replaced by G.
Protein change: p.Ser3099Cys; replaces serine 3099 with cysteine.
Molecular consequence: missense variant.
Genome position (GRCh38, 1-based): chr7:82,951,292, G>C on the plus strand (C>G on the coding strand, the complement: PCLO is on the minus strand). VCF-style: chr7-82951292-G-C. GRCh37 (hg19) VCF-style: chr7-82580608-G-C.
Other names: c.9296C>G, p.Ser3099Cys (NM_014510.3); short protein forms S3099C.
Identifiers: ClinVar variation 1964340 (VCV001964340.3), dbSNP rs1462588657, ClinGen allele CA367908799.
Genomic context (GRCh38, chr7:82,951,292, plus strand): 5'-GACAAATCCCTCACTGTGGTGCTGAAAATGGAGCCAGGTTGTGTGGTGATAGCAAATGTA[G>C]AGGGTGTTGGAGTTGCTACTGAAGAATAGACAACACCATTAGATGACCTCAAAACACTCC-3'
Protein context (NP_149015.2, residues 3089-3109): VYSSVATPTP[Ser3099Cys]TFAITTQPGS

ClinVar aggregate classification (germline): Uncertain significance (1 of 4 stars; one submission).

Allele frequency attached by ClinVar (database versions not stated): gnomAD exomes below 0.00001; TOPMed below 0.00001; gnomAD 0.00001.
gnomAD v4.1: 2 of 1,613,140 alleles (0.00012%); highest among the groups gnomAD compares: Non-Finnish European, 0.00017%; no homozygotes.

Submission:

Labcorp Genetics (formerly Invitae), Labcorp
Classification: Uncertain significance. Last evaluated: 2022-03-04. Review status: criteria provided, single submitter. Criteria: Invitae Variant Classification Sherloc (09022015). Collection method: clinical testing. Allele origin: germline.
Comment: In summary, the available evidence is currently insufficient to determine the role of this variant in disease. Therefore, it has been classified as a Variant of Uncertain Significance. Algorithms developed to predict the effect of missense changes on protein structure and function are either unavailable or do not agree on the potential impact of this missense change (SIFT: "Deleterious"; PolyPhen-2: "Not Available"; Align-GVGD: "Class C0"). This variant has not been reported in the literature in individuals affected with PCLO-related conditions. This variant is present in population databases (no rsID available, gnomAD 0.0009%). This sequence change replaces serine, which is neutral and polar, with cysteine, which is neutral and slightly polar, at codon 3099 of the PCLO protein (p.Ser3099Cys).